The following is an entry in ClinVar:

ClinVar aggregate classification (germline): Pathogenic. Review status: criteria provided, single submitter (1 of 4 stars). 2 submissions from 2 submitters: Pathogenic (1). 1 of the submissions does not count toward it. Last evaluated 2024-10-08.

Conditions:
Marfan syndrome (MFS). Also called: Marfan syndrome type 1; Marfan syndrome, classic; Marfan's syndrome; FBN1-Related Marfan Syndrome; MARFAN SYNDROME, TYPE I. Identifiers: Orphanet 284963, Orphanet 558, MedGen C0024796, MONDO:0007947, OMIM 154700.

Submissions (2):

Victorian Clinical Genetics Services, Murdoch Childrens Research Institute
Classification: Pathogenic for Marfan syndrome. Last evaluated: 2024-10-08. Review status: criteria provided, single submitter. Criteria: ACMG Guidelines, 2015. Collection method: clinical testing. Allele origin: germline. Inheritance: Autosomal dominant inheritance. Affected: yes.
Comment: Based on the classification scheme VCGS_Germline_v1.3.4, this variant is classified as Pathogenic. Following criteria are met: 0103 - Dominant negative and loss of function are known mechanisms of disease in this gene and are associated with FBN1-related disease. Variants predicted to result in nonsense mediated decay cause loss of function effects, and are more commonly associated with severe Marfan syndrome (MIM#154700). Missense variants with both dominant negative and loss of function effects on protein function, are associated with Marfan syndrome and ectopia lentis (MIM#129600) (OMIM, PMID: 29357934). The exact genotype-phenotype correlation for this gene is still unclear, and is compounded by variable expressivity (PMID: 20301510). (I) 0107 - This gene is predominantly associated with autosomal dominant disease; autosomal recessive forms of Marfan syndrome have rarely been reported (PMID: 27274304; 31950671). (I) 0115 - Variants in this gene are known to have variable expressivity. The genotype-phenotype correlations for this gene are unclear, with single variants reported in patients with a range of phenotypes (PMID: 20301510, OMIM). (I) 0200 - Variant is predicted to result in a missense amino acid change from cysteine and arginine. (I) 0251 - This variant is heterozygous. (I) 0301 - Variant is absent from gnomAD (both v2 and v3). (SP) 0501 - Missense variant consistently predicted to be damaging by multiple in silico tools or highly conserved with a major amino acid change. (SP) 0601 - Variant is located in the well-established functional EGF calcium binding domain, and affects a cysteine residue involved in a dilsulphide bond (DECIPHER, PMIDs: 31227806, 10486319). (SP) 0703 - Other missense variants comparable to the one identified in this case have moderate previous evidence for pathogenicity. p.(Cys2418Ser) and p.(Cys2418Tyr) have been classified as likely pathogenic by clinical laboratories in ClinVar, and the former has also been identified in a father and daughter with Marfan syndrome in the literature (PMID: 33174221). (SP) 0803 - This variant has limited previous evidence of pathogenicity in unrelated individuals. This variant has been classified as likely pathogenic by a clinical laboratory in ClinVar, and has been observed in an individual with Marfan syndrome in the literature (PMID: 32679894). (SP) 0905 - No published segregation evidence has been identified for this variant. (I) 1007 - No published functional evidence has been identified for this variant. (I) 1208 - Inheritance information for this variant is not currently available in this individual. (I) Legend: (SP) - Supporting pathogenic, (I) - Information, (SB) - Supporting benign

Center for Medical Genetics Ghent, University of Ghent
Classification: Likely pathogenic for Marfan syndrome. Last evaluated: 2017-11-07. Review status: no assertion criteria provided. Collection method: clinical testing. Allele origin: germline. Affected: yes. Not counted in ClinVar's aggregate classification.

Literature cited by the submitters: PubMed 10486319 (cited by Victorian Clinical Genetics Services, Murdoch Childrens Research Institute); PubMed 20301510 (cited by Victorian Clinical Genetics Services, Murdoch Childrens Research Institute); PubMed 27274304 (cited by Victorian Clinical Genetics Services, Murdoch Childrens Research Institute); PubMed 29357934 (cited by Victorian Clinical Genetics Services, Murdoch Childrens Research Institute); PubMed 31227806 (cited by Victorian Clinical Genetics Services, Murdoch Childrens Research Institute); PubMed 31950671 (cited by Victorian Clinical Genetics Services, Murdoch Childrens Research Institute); PubMed 32679894 (cited by Victorian Clinical Genetics Services, Murdoch Childrens Research Institute); PubMed 33174221 (cited by Victorian Clinical Genetics Services, Murdoch Childrens Research Institute).

NM_000138.5(FBN1):c.7252T>C (p.Cys2418Arg)

Gene: FBN1 (fibrillin 1; minus strand). Cytogenetic location: 15q21.1.
Variant type: single nucleotide variant.
Coding change: c.7252T>C on transcript NM_000138.5 (MANE Select); coding-DNA position 7252, T replaced by C.
Protein change: p.Cys2418Arg; replaces cysteine 2418 with arginine.
Molecular consequence: missense variant.
Genome position (GRCh38, 1-based): chr15:48,425,817, A>G on the plus strand (T>C on the coding strand, the complement: FBN1 is on the minus strand). VCF-style: chr15-48425817-A-G. GRCh37 (hg19) VCF-style: chr15-48718014-A-G.
Other names: short protein forms C2418R.
Identifiers: ClinVar variation 549398 (VCV000549398.2), dbSNP rs1555394441, ClinGen allele CA392328752.